The following is an entry in ClinVar:

NM_173842.3(IL1RN):c.185G>A (p.Gly62Glu)

Gene: IL1RN (interleukin 1 receptor antagonist; plus strand). Cytogenetic location: 2q14.1.
Variant type: single nucleotide variant.
Coding change: c.185G>A on transcript NM_173842.3 (MANE Select); coding-DNA position 185, G replaced by A.
Protein change: p.Gly62Glu; replaces glycine 62 with glutamic acid.
Molecular consequence: missense variant.
Genome position (GRCh38, 1-based): chr2:113,129,644, G>A. VCF-style: chr2-113129644-G-A. GRCh37 (hg19) VCF-style: chr2-113887221-G-A.
Other names: c.131G>A, p.Gly44Glu (NM_000577.5); c.83G>A, p.Gly28Glu (NM_001318914.2, NM_001379360.1, NM_173843.3); c.194G>A, p.Gly65Glu (NM_173841.3); short protein forms G65E, G28E, G62E, G44E.
Identifiers: ClinVar variation 660469 (VCV000660469.10), dbSNP rs1203011392, ClinGen allele CA348294693.

ClinVar aggregate classification (germline): Uncertain significance. Review status: criteria provided, multiple submitters, no conflicts (2 of 4 stars). 2 submissions from 2 submitters: Uncertain significance (2). Last evaluated 2022-07-02.

Conditions:
Sterile multifocal osteomyelitis with periostitis and pustulosis. Also called: CHRONIC RECURRENT MULTIFOCAL OSTEOMYELITIS 2, WITH PERIOSTITIS AND PUSTULOSIS. Identifiers: Orphanet 210115, MedGen C2748507, MONDO:0013021, OMIM 612852.

Allele frequency attached by ClinVar (database versions not stated): gnomAD exomes below 0.00001; TOPMed 0.00001.

Submissions (2):

Labcorp Genetics (formerly Invitae), Labcorp
Classification: Uncertain significance for Sterile multifocal osteomyelitis with periostitis and pustulosis. Last evaluated: 2022-07-02. Review status: criteria provided, single submitter. Criteria: Invitae Variant Classification Sherloc (09022015). Collection method: clinical testing. Allele origin: germline.
Comment: In summary, the available evidence is currently insufficient to determine the role of this variant in disease. Therefore, it has been classified as a Variant of Uncertain Significance. Algorithms developed to predict the effect of missense changes on protein structure and function output the following: SIFT: "Deleterious"; PolyPhen-2: "Benign"; Align-GVGD: "Class C15". The glutamic acid amino acid residue is found in multiple mammalian species, which suggests that this missense change does not adversely affect protein function. ClinVar contains an entry for this variant (Variation ID: 660469). This variant has not been reported in the literature in individuals affected with IL1RN-related conditions. This variant is not present in population databases (gnomAD no frequency). This sequence change replaces glycine, which is neutral and non-polar, with glutamic acid, which is acidic and polar, at codon 65 of the IL1RN protein (p.Gly65Glu).

Breakthrough Genomics
Classification: Uncertain significance. Review status: criteria provided, single submitter. Criteria: ACMG Guidelines, 2015. Collection method: not provided. Allele origin: germline. Inheritance: Autosomal recessive inheritance. Affected: yes.